The following is an entry in ClinVar:

NM_001375524.1(TRRAP):c.5005T>A (p.Ser1669Thr)

Genes: TRRAP (transformation/transcription domain associated protein; plus strand), LOC126860121 (MED14-independent group 3 enhancer GRCh37_chr7:98547245-98548444; plus strand). Cytogenetic location: 7q22.1.
Variant type: single nucleotide variant.
Coding change: c.5005T>A on transcript NM_001375524.1 (MANE Select); coding-DNA position 5005, T replaced by A.
Protein change: p.Ser1669Thr; replaces serine 1669 with threonine.
Molecular consequence: missense variant.
Genome position (GRCh38, 1-based): chr7:98,949,711, T>A. VCF-style: chr7-98949711-T-A. GRCh37 (hg19) VCF-style: chr7-98547334-T-A.
Other names: c.4984T>A, p.Ser1662Thr (NM_001244580.2); c.4930T>A, p.Ser1644Thr (NM_003496.4); short protein forms S1644T, S1662T, S1669T.
Identifiers: ClinVar variation 2579807 (VCV002579807.2), dbSNP rs1791244488, ClinGen allele CA368313886.

ClinVar aggregate classification (germline): Uncertain significance (1 of 4 stars; one submission).

Submission:

GeneDx
Classification: Uncertain significance. Last evaluated: 2025-04-28. Review status: criteria provided, single submitter. Criteria: GeneDx Variant Classification Process June 2021. Collection method: clinical testing. Allele origin: germline.
Comment: Not observed at significant frequency in large population cohorts (gnomAD); In silico analysis indicates that this missense variant does not alter protein structure/function; Has not been previously published as pathogenic or benign to our knowledge